The following is an entry in ClinVar:

ClinVar aggregate classification (germline): Uncertain significance (1 of 4 stars; one submission).

Conditions:
Charcot-Marie-Tooth disease axonal type 2O. Also called: CHARCOT-MARIE-TOOTH NEUROPATHY, AXONAL, TYPE 2O; CHARCOT-MARIE-TOOTH DISEASE, AXONAL, AUTOSOMAL DOMINANT, TYPE 2O; Charcot-Marie-Tooth Neuropathy Type 2O; Charcot-Marie-Tooth disease, axonal, type 20. Identifiers: Orphanet 284232, MedGen C3280220, MONDO:0013644, OMIM 614228.

gnomAD v4.1: 1 of 1,614,200 alleles (0.000062%); highest among the groups gnomAD compares: Non-Finnish European, 0.000085%; no homozygotes.

Submission:

Labcorp Genetics (formerly Invitae), Labcorp
Classification: Uncertain significance for Charcot-Marie-Tooth disease axonal type 2O. Last evaluated: 2024-02-17. Review status: criteria provided, single submitter. Criteria: Invitae Variant Classification Sherloc (09022015). Collection method: clinical testing. Allele origin: germline.
Comment: This sequence change replaces isoleucine, which is neutral and non-polar, with valine, which is neutral and non-polar, at codon 360 of the DYNC1H1 protein (p.Ile360Val). This variant is not present in population databases (gnomAD no frequency). This variant has not been reported in the literature in individuals affected with DYNC1H1-related conditions. Advanced modeling of protein sequence and biophysical properties (such as structural, functional, and spatial information, amino acid conservation, physicochemical variation, residue mobility, and thermodynamic stability) performed at Invitae indicates that this missense variant is expected to disrupt DYNC1H1 protein function with a positive predictive value of 80%. In summary, the available evidence is currently insufficient to determine the role of this variant in disease. Therefore, it has been classified as a Variant of Uncertain Significance.

NM_001376.5(DYNC1H1):c.1078A>G (p.Ile360Val)

Gene: DYNC1H1 (dynein cytoplasmic 1 heavy chain 1; plus strand). Cytogenetic location: 14q32.31.
Variant type: single nucleotide variant.
Coding change: c.1078A>G on transcript NM_001376.5 (MANE Select); coding-DNA position 1078, A replaced by G.
Protein change: p.Ile360Val; replaces isoleucine 360 with valine.
Molecular consequence: missense variant.
Genome position (GRCh38, 1-based): chr14:101,983,135, A>G. VCF-style: chr14-101983135-A-G. GRCh37 (hg19) VCF-style: chr14-102449472-A-G.
Other names: short protein forms I360V.
Identifiers: ClinVar variation 3613014 (VCV003613014.2).